The following is an entry in ClinVar:

ClinVar aggregate classification (germline): Benign/Likely benign. Review status: criteria provided, multiple submitters, no conflicts (2 of 4 stars). 6 submissions from 6 submitters: Benign (1); Likely benign (5). Last evaluated 2026-01-13.

Conditions:
Hereditary cancer-predisposing syndrome. Also called: Tumor predisposition; Neoplastic Syndromes, Hereditary; Hereditary neoplastic syndrome; Hereditary Cancer Syndrome. Identifiers: Orphanet 140162, MedGen C0027672, MeSH D009386, MONDO:0015356.
Familial cancer of breast. Also called: BREAST CANCER, FAMILIAL; hereditary breast carcinoma; Hereditary breast cancer. Identifiers: Orphanet 227535, MedGen C0346153, MONDO:0016419, OMIM 114480. Disease mechanism: loss of function.
Ataxia-telangiectasia syndrome (AT). Also called: LOUIS-BAR SYNDROME; Ataxia-telangiectasia, complementation group D; AT, COMPLEMENTATION GROUP C; ATAXIA-TELANGIECTASIA, COMPLEMENTATION GROUP A; ATAXIA-TELANGIECTASIA, FRESNO VARIANT; Ataxia-telangiectasia. Identifiers: Orphanet 100, MedGen C0004135, MONDO:0008840, OMIM 208900.

Allele frequency attached by ClinVar (database versions not stated): gnomAD 0.00001; gnomAD exomes 0.00001; ESP Exome Variant Server 0.00008.
gnomAD v4.1: 12 of 1,612,036 alleles (0.00074%); highest among the groups gnomAD compares: Admixed American, 0.0017%; no homozygotes.

Submissions (6):

Labcorp Genetics (formerly Invitae), Labcorp
Classification: Likely benign for Ataxia-telangiectasia syndrome. Last evaluated: 2026-01-13. Review status: criteria provided, single submitter. Criteria: Invitae Variant Classification Sherloc (09022015). Collection method: clinical testing. Allele origin: germline.

Laboratory of Genetics, Children's Clinical University Hospital Latvia
Classification: Likely benign. Last evaluated: 2025-02-16. Review status: criteria provided, single submitter. Criteria: ACMG Guidelines, 2015. Collection method: clinical testing. Allele origin: germline. Affected: yes.

Myriad Genetics, Inc.
Classification: Benign for Familial cancer of breast. Last evaluated: 2024-04-25. Review status: criteria provided, single submitter. Criteria: Myriad Autosomal Dominant, Autosomal Recessive and X-Linked Classification Criteria (2023). Collection method: clinical testing. Allele origin: unknown.
Comment: This variant is considered benign. This variant is a silent/synonymous amino acid change and it is not expected to impact splicing.

GeneDx
Classification: Likely benign. Last evaluated: 2020-11-06. Review status: criteria provided, single submitter. Criteria: GeneDx Variant Classification Process June 2021. Collection method: clinical testing. Allele origin: germline. Affected: yes.

Blueprint Genetics
Classification: Likely benign. Last evaluated: 2019-10-28. Review status: criteria provided, single submitter. Criteria: ACMG Guidelines, 2015. Collection method: clinical testing. Allele origin: germline.

Ambry Genetics
Classification: Likely benign for Hereditary cancer-predisposing syndrome. Last evaluated: 2014-10-09. Review status: criteria provided, single submitter. Criteria: Ambry Variant Classification Scheme 2023. Collection method: clinical testing. Allele origin: germline.

NM_000051.4(ATM):c.1110C>T (p.Tyr370=)

Gene: ATM (ATM serine/threonine kinase; plus strand). Cytogenetic location: 11q22.3.
Variant type: single nucleotide variant.
Coding change: c.1110C>T on transcript NM_000051.4 (MANE Select); coding-DNA position 1110, C replaced by T.
Protein change: p.Tyr370=; no amino-acid change (tyrosine 370 retained).
Molecular consequence: synonymous variant.
Genome position (GRCh38, 1-based): chr11:108,248,977, C>T. VCF-style: chr11-108248977-C-T. GRCh37 (hg19) VCF-style: chr11-108119704-C-T.
Other names: c.1110C>T, p.Tyr370= (NM_001351834.2).
Identifiers: ClinVar variation 186640 (VCV000186640.22), dbSNP rs376170600, ClinGen allele CA195408.